The following is an entry in ClinVar:

NM_203486.3(DLL3):c.652+1G>T

Genes: DLL3 (delta like canonical Notch ligand 3; plus strand), LOC130064417 (ATAC-STARR-seq lymphoblastoid silent region 10608; plus strand). Cytogenetic location: 19q13.2.
Variant type: single nucleotide variant.
Coding change: c.652+1G>T on transcript NM_203486.3 (MANE Select); the canonical splice donor site of the intron after coding-DNA position 652, G replaced by T.
Molecular consequence: splice donor variant.
Genome position (GRCh38, 1-based): chr19:39,503,058, G>T. VCF-style: chr19-39503058-G-T. GRCh37 (hg19) VCF-style: chr19-39993698-G-T.
Other names: c.652+1G>T (NM_016941.4).
Identifiers: ClinVar variation 2842615 (VCV002842615.4), dbSNP rs962071242, ClinGen allele CA308252454.

ClinVar aggregate classification (germline): Likely pathogenic. Review status: criteria provided, multiple submitters, no conflicts (2 of 4 stars). 2 submissions from 2 submitters: Likely pathogenic (2). Last evaluated 2024-05-21.

Conditions:
Spondylocostal dysostosis 1, autosomal recessive (SCDO1). Also called: DLL3-Related Spondylocostal Dysostosis, Autosomal Recessive. Identifiers: Orphanet 2311, MedGen CN032975, MONDO:0020692, OMIM 277300.

Allele frequency attached by ClinVar (database versions not stated): gnomAD exomes below 0.00001; TOPMed 0.00001; 1000 Genomes Project 30x 0.00016.

Submissions (2):

Fulgent Genetics
Classification: Likely pathogenic for Spondylocostal dysostosis 1, autosomal recessive. Last evaluated: 2024-05-21. Review status: criteria provided, single submitter. Criteria: ACMG Guidelines, 2015. Collection method: clinical testing. Allele origin: germline.

Labcorp Genetics (formerly Invitae), Labcorp
Classification: Likely pathogenic. Last evaluated: 2023-07-08. Review status: criteria provided, single submitter. Criteria: Invitae Variant Classification Sherloc (09022015). Collection method: clinical testing. Allele origin: germline.
Comment: In summary, the currently available evidence indicates that the variant is pathogenic, but additional data are needed to prove that conclusively. Therefore, this variant has been classified as Likely Pathogenic. Algorithms developed to predict the effect of sequence changes on RNA splicing suggest that this variant may disrupt the consensus splice site. This variant has not been reported in the literature in individuals affected with DLL3-related conditions. This variant is not present in population databases (gnomAD no frequency). This sequence change affects a donor splice site in intron 4 of the DLL3 gene. It is expected to disrupt RNA splicing. Variants that disrupt the donor or acceptor splice site typically lead to a loss of protein function (PMID: 16199547), and loss-of-function variants in DLL3 are known to be pathogenic (PMID: 12746394).

Literature cited by the submitters: PubMed 16199547 (cited by Labcorp Genetics (formerly Invitae), Labcorp); PubMed 12746394 (cited by Labcorp Genetics (formerly Invitae), Labcorp).